The following is an entry in ClinVar:

ClinVar aggregate classification (germline): Pathogenic (1 of 4 stars; one submission).

Submission:

CeGaT Center for Human Genetics Tuebingen
Classification: Pathogenic. Last evaluated: 2022-06-01. Review status: criteria provided, single submitter. Criteria: CeGaT Center For Human Genetics Tuebingen Variant Classification Criteria Version 2. Collection method: clinical testing. Allele origin: germline. Affected: yes. Observed: 1 variant allele.
Comment: HDAC8: PVS1, PM2, PS2:Moderate

NM_018486.3(HDAC8):c.581_582del (p.Lys194fs)

Gene: HDAC8 (histone deacetylase 8; minus strand). Cytogenetic location: Xq13.1.
Variant type: Deletion.
Coding change: c.581_582del on transcript NM_018486.3 (MANE Select); coding-DNA positions 581 to 582, 2 bases deleted (AA; older notation c.581_582delAA).
Protein change: p.Lys194fs; shifts the reading frame from lysine 194.
Molecular consequence: frameshift variant. On other transcripts: non-coding transcript variant (1), intron variant (1).
Genome position (GRCh38, 1-based): chrX:72,490,975-72,490,976, TT deleted on the plus strand (AA on the coding strand, the reverse complement: HDAC8 is on the minus strand); deleting any 2 consecutive bases within chrX:72,490,975-72,490,977 gives the same sequence; the c. name uses the placement nearest the transcript's 3' end. VCF-style (leftmost placement, unchanged base first): chrX-72490974-CTT-C. GRCh37 (hg19) VCF-style: chrX-71710824-CTT-C.
Other names: c.308_309del, p.Lys103fs (NM_001166418.2); c.581_582del, p.Lys194fs (NM_001166419.2); c.278-1935_278-1934del (NM_001166448.2); short protein forms K103fs, K194fs.
Identifiers: ClinVar variation 1701604 (VCV001701604.31), dbSNP rs2148131600, ClinGen allele CA2580101361.